The following is an entry in ClinVar:

ClinVar aggregate classification (germline): Likely benign (0 of 4 stars; one submission).

Conditions:
SERPINB7-related disorder. Also called: SERPINB7-related condition.

Allele frequency attached by ClinVar (database versions not stated): gnomAD 0.00001; gnomAD exomes 0.00002.
gnomAD v4.1: 27 of 1,612,702 alleles (0.0017%); highest among the groups gnomAD compares: South Asian, 0.018%; no homozygotes.

Submission:

PreventionGenetics, part of Exact Sciences
Classification: Likely benign for SERPINB7-related condition. Last evaluated: 2019-05-23. Review status: no assertion criteria provided. Collection method: clinical testing. Allele origin: germline.
Comment: This variant is classified as likely benign based on ACMG/AMP sequence variant interpretation guidelines (Richards et al. 2015 PMID: 25741868, with internal and published modifications).

NM_003784.4(SERPINB7):c.24T>C (p.Asn8=)

Gene: SERPINB7 (serpin family B member 7; plus strand). Cytogenetic location: 18q21.33.
Variant type: single nucleotide variant.
Coding change: c.24T>C on transcript NM_003784.4 (MANE Select); coding-DNA position 24, T replaced by C.
Protein change: p.Asn8=; no amino-acid change (asparagine 8 retained).
Molecular consequence: synonymous variant.
Genome position (GRCh38, 1-based): chr18:63,782,396, T>C. VCF-style: chr18-63782396-T-C. GRCh37 (hg19) VCF-style: chr18-61449630-T-C.
Other names: c.24T>C, p.Asn8= (NM_001040147.3, NM_001261830.2, NM_001261831.2).
Identifiers: ClinVar variation 3038662 (VCV003038662.2), dbSNP rs938180904, ClinGen allele CA301832239.